The following is an entry in ClinVar:

NM_031844.3(HNRNPU):c.132C>T (p.Asp44=)

Gene: HNRNPU (heterogeneous nuclear ribonucleoprotein U; minus strand). Cytogenetic location: 1q44.
Variant type: single nucleotide variant.
Coding change: c.132C>T on transcript NM_031844.3 (MANE Select); coding-DNA position 132, C replaced by T.
Protein change: p.Asp44=; no amino-acid change (aspartic acid 44 retained).
Molecular consequence: synonymous variant.
Genome position (GRCh38, 1-based): chr1:244,864,176, G>A on the plus strand (C>T on the coding strand, the complement: HNRNPU is on the minus strand). VCF-style: chr1-244864176-G-A. GRCh37 (hg19) VCF-style: chr1-245027478-G-A.
Other names: c.132C>T, p.Asp44= (NM_004501.3).
Identifiers: ClinVar variation 763746 (VCV000763746.34), dbSNP rs1260101788, ClinGen allele CA424402730.
Genomic context (GRCh38, chr1:244,864,176, plus strand): 5'-CCCGCCCAGGTCTAGGCTGCCGTTCCCGGGCTCCATGGCGGGGCGGCCCCCGGCCTCCTC[G>A]TCGTCCAGCGCAGCCTGGAGTCGCTCCATGAGCTCGGCCTTGAGACCCTTGTCAGAAAGG-3'
Protein context (NP_114032.2, residues 34-54): LMERLQAALD[Asp44=]EEAGGRPAME

ClinVar aggregate classification (germline): Likely benign. Review status: criteria provided, multiple submitters, no conflicts (2 of 4 stars). 2 submissions from 2 submitters: Likely benign (2). Last evaluated 2023-11-27.

Conditions:
Developmental and epileptic encephalopathy, 54. Also called: Epileptic encephalopathy, early infantile, 54; HNRNPU-Related Neurodevelopmental Disorder. Identifiers: MedGen C4479319, MONDO:0033363, OMIM 617391.

Allele frequency attached by ClinVar (database versions not stated): TOPMed below 0.00001; gnomAD 0.00001.
gnomAD v4.1: 4 of 1,607,030 alleles (0.00025%); highest among the groups gnomAD compares: East Asian, 0.0067%; no homozygotes.

Submissions (2):

Labcorp Genetics (formerly Invitae), Labcorp
Classification: Likely benign for Developmental and epileptic encephalopathy, 54. Last evaluated: 2023-11-27. Review status: criteria provided, single submitter. Criteria: Invitae Variant Classification Sherloc (09022015). Collection method: clinical testing. Allele origin: germline.

CeGaT Center for Human Genetics Tuebingen
Classification: Likely benign. Last evaluated: 2022-07-01. Review status: criteria provided, single submitter. Criteria: CeGaT Center For Human Genetics Tuebingen Variant Classification Criteria Version 2. Collection method: clinical testing. Allele origin: germline. Affected: yes. Observed: 1 variant allele.
Comment: HNRNPU: BP4, BP7